The following is an entry in ClinVar:

NM_014795.4(ZEB2):c.1028G>A (p.Arg343Gln)

Gene: ZEB2 (zinc finger E-box binding homeobox 2; minus strand). Cytogenetic location: 2q22.3.
Variant type: single nucleotide variant.
Coding change: c.1028G>A on transcript NM_014795.4 (MANE Select); coding-DNA position 1028, G replaced by A.
Protein change: p.Arg343Gln; replaces arginine 343 with glutamine.
Molecular consequence: missense variant.
Genome position (GRCh38, 1-based): chr2:144,400,159, C>T on the plus strand (G>A on the coding strand, the complement: ZEB2 is on the minus strand). VCF-style: chr2-144400159-C-T. GRCh37 (hg19) VCF-style: chr2-145157726-C-T.
Other names: c.956G>A, p.Arg319Gln (NM_001171653.2); short protein forms R343Q, R319Q.
Identifiers: ClinVar variation 955846 (VCV000955846.11), dbSNP rs746958005, ClinGen allele CA57556281.

ClinVar aggregate classification (germline): Uncertain significance. Review status: criteria provided, multiple submitters, no conflicts (2 of 4 stars). 3 submissions from 3 submitters: Uncertain significance (3). Last evaluated 2023-06-22.

Conditions:
Mowat-Wilson syndrome (MOWS). Also called: Classic Mowat-Wilson Syndrome. Identifiers: Orphanet 2152, MedGen C1856113, MONDO:0009341, OMIM 235730.

Allele frequency attached by ClinVar (database versions not stated): gnomAD exomes below 0.00001; gnomAD 0.00001.
gnomAD v4.1: 5 of 1,613,776 alleles (0.00031%); highest among the groups gnomAD compares: African/African-American, 0.0013%; no homozygotes.

Submissions (3):

Neuberg Centre For Genomic Medicine, NCGM
Classification: Uncertain significance for Mowat-Wilson syndrome. Last evaluated: 2023-06-22. Review status: criteria provided, single submitter. Criteria: ACMG Guidelines, 2015. Collection method: clinical testing. Allele origin: germline. Inheritance: Autosomal dominant inheritance. Affected: yes.
Comment: The missense c.1028G>A (p.Arg343Gln) variant in the ZEB2 gene has not been reported previously as a pathogenic variant nor as a benign variant, to our knowledge. This variant is reported with the allele frequency (0.003%) in the gnomAD Exomes. This variant has been reported to the ClinVar database as Uncertain Significance. However, no details are available for independent assessment. The amino acid Arginine at position 343 is changed to a Glutamine changing protein sequence and it might alter its composition and physico-chemical properties. Multiple lines of computational evidence (Polyphen - Probably damaging, SIFT – Damaging and MutationTaster - Disease causing) predict a damaging effect on protein structure and function for this variant. The amino acid Arginine in ZEB2 is predicted as conserved by GERP++ and PhyloP across 100 vertebrates. For these reasons, this variant has been classified as Uncertain Significance.

Blueprint Genetics
Classification: Uncertain significance. Last evaluated: 2019-10-10. Review status: criteria provided, single submitter. Criteria: ACMG Guidelines, 2015. Collection method: clinical testing. Allele origin: germline.

Labcorp Genetics (formerly Invitae), Labcorp
Classification: Uncertain significance for Mowat-Wilson syndrome. Last evaluated: 2019-08-04. Review status: criteria provided, single submitter. Criteria: Invitae Variant Classification Sherloc (09022015). Collection method: clinical testing. Allele origin: germline.
Comment: In summary, the available evidence is currently insufficient to determine the role of this variant in disease. Therefore, it has been classified as a Variant of Uncertain Significance. Algorithms developed to predict the effect of missense changes on protein structure and function are either unavailable or do not agree on the potential impact of this missense change (SIFT: "Tolerated"; PolyPhen-2: "Probably Damaging"; Align-GVGD: "Class C0"). This variant has not been reported in the literature in individuals with ZEB2-related conditions. This variant is not present in population databases (ExAC no frequency). This sequence change replaces arginine with glutamine at codon 343 of the ZEB2 protein (p.Arg343Gln). The arginine residue is highly conserved and there is a small physicochemical difference between arginine and glutamine.